The following is an entry in ClinVar:

ClinVar aggregate classification (germline): Uncertain significance. Review status: criteria provided, multiple submitters, no conflicts (2 of 4 stars). 2 submissions from 2 submitters: Uncertain significance (2). Last evaluated 2025-08-15.

Conditions:
Norman-Roberts syndrome (LIS2). Also called: Lissencephaly 2 (Norman-Roberts type). Identifiers: Orphanet 89844, MedGen C0796089, MONDO:0009760, OMIM 257320.
Familial temporal lobe epilepsy 7. Identifiers: Orphanet 101046, MedGen C4225327, MONDO:0014639, OMIM 616436.

Allele frequency attached by ClinVar (database versions not stated): gnomAD 0.00001; gnomAD exomes 0.00001; TOPMed 0.00002; ESP Exome Variant Server 0.00008.
gnomAD v4.1: 4 of 1,614,044 alleles (0.00025%); highest among the groups gnomAD compares: Admixed American, 0.0017%; no homozygotes.

Submissions (2):

Labcorp Genetics (formerly Invitae), Labcorp
Classification: Uncertain significance for Familial temporal lobe epilepsy 7; Norman-Roberts syndrome. Last evaluated: 2025-08-15. Review status: criteria provided, single submitter. Criteria: Invitae Variant Classification Sherloc (09022015). Collection method: clinical testing. Allele origin: germline.
Comment: This sequence change replaces alanine, which is neutral and non-polar, with valine, which is neutral and non-polar, at codon 2277 of the RELN protein (p.Ala2277Val). This variant is not present in population databases (gnomAD no frequency). This variant has not been reported in the literature in individuals affected with RELN-related conditions. ClinVar contains an entry for this variant (Variation ID: 358388). Invitae Evidence Modeling of protein sequence and biophysical properties (such as structural, functional, and spatial information, amino acid conservation, physicochemical variation, residue mobility, and thermodynamic stability) indicates that this missense variant is not expected to disrupt RELN protein function with a negative predictive value of 80%. In summary, the available evidence is currently insufficient to determine the role of this variant in disease. Therefore, it has been classified as a Variant of Uncertain Significance.

Illumina Laboratory Services, Illumina
Classification: Uncertain significance for Norman-Roberts syndrome. Last evaluated: 2018-01-13. Review status: criteria provided, single submitter. Criteria: ICSL Variant Classification Criteria 13 December 2019. Collection method: clinical testing. Allele origin: germline.

NM_005045.4(RELN):c.6830C>T (p.Ala2277Val)

Gene: RELN (reelin; minus strand). Cytogenetic location: 7q22.1.
Variant type: single nucleotide variant.
Coding change: c.6830C>T on transcript NM_005045.4 (MANE Select); coding-DNA position 6830, C replaced by T.
Protein change: p.Ala2277Val; replaces alanine 2277 with valine.
Molecular consequence: missense variant.
Genome position (GRCh38, 1-based): chr7:103,540,297, G>A on the plus strand (C>T on the coding strand, the complement: RELN is on the minus strand). VCF-style: chr7-103540297-G-A. GRCh37 (hg19) VCF-style: chr7-103180744-G-A.
Other names: c.6830C>T, p.Ala2277Val (NM_173054.3); short protein forms A2277V.
Identifiers: ClinVar variation 358388 (VCV000358388.6), dbSNP rs374796794, ClinGen allele CA10627925.